The following is an entry in ClinVar:

ClinVar aggregate classification (germline): Uncertain significance (1 of 4 stars; one submission).

Conditions:
Hereditary diffuse gastric adenocarcinoma (HDGC). Also called: DIFFUSE GASTRIC AND LOBULAR BREAST CANCER SYNDROME. Identifiers: Orphanet 26106, MedGen C1708349, MONDO:0007648, OMIM 137215.

Submission:

Labcorp Genetics (formerly Invitae), Labcorp
Classification: Uncertain significance for Hereditary diffuse gastric adenocarcinoma. Last evaluated: 2019-09-20. Review status: criteria provided, single submitter. Criteria: Invitae Variant Classification Sherloc (09022015). Collection method: clinical testing. Allele origin: germline.
Comment: In summary, the available evidence is currently insufficient to determine the role of this variant in disease. Therefore, it has been classified as a Variant of Uncertain Significance. Algorithms developed to predict the effect of missense changes on protein structure and function (SIFT, PolyPhen-2, Align-GVGD) all suggest that this variant is likely to be tolerated, but these predictions have not been confirmed by published functional studies and their clinical significance is uncertain. This variant has not been reported in the literature in individuals with CDH1-related conditions. This variant is not present in population databases (ExAC no frequency). This sequence change replaces leucine with isoleucine at codon 667 of the CDH1 protein (p.Leu667Ile). The leucine residue is highly conserved and there is a small physicochemical difference between leucine and isoleucine.

NM_004360.5(CDH1):c.1999C>A (p.Leu667Ile)

Gene: CDH1 (cadherin 1; plus strand). Cytogenetic location: 16q22.1.
Variant type: single nucleotide variant.
Coding change: c.1999C>A on transcript NM_004360.5 (MANE Select); coding-DNA position 1999, C replaced by A.
Protein change: p.Leu667Ile; replaces leucine 667 with isoleucine.
Molecular consequence: missense variant.
Genome position (GRCh38, 1-based): chr16:68,823,461, C>A. VCF-style: chr16-68823461-C-A. GRCh37 (hg19) VCF-style: chr16-68857364-C-A.
Other names: c.1816C>A, p.Leu606Ile (NM_001317184.2); c.451C>A, p.Leu151Ile (NM_001317185.2); c.34C>A, p.Leu12Ile (NM_001317186.2); short protein forms L606I, L151I, L667I, L12I.
Identifiers: ClinVar variation 959524 (VCV000959524.10), dbSNP rs1567513251, ClinGen allele CA396467633.
Genomic context (GRCh38, chr16:68,823,461, plus strand): 5'-CAAGAATCTATCATTTTGAAGCCAAAGATGGCCTTAGAGGTGGGTGACTACAAAATCAAT[C>A]TCAAGCTCATGGATAACCAGAATAAAGACCAAGTGACCACCTTAGAGGTCAGCGTGTGTG-3'
Protein context (NP_004351.1, residues 657-677): ALEVGDYKIN[Leu667Ile]KLMDNQNKDQ